The following is an entry in ClinVar:

NM_001378030.1(CCDC78):c.26C>T (p.Pro9Leu)

Gene: CCDC78 (coiled-coil domain containing 78; minus strand). Cytogenetic location: 16p13.3.
Variant type: single nucleotide variant.
Coding change: c.26C>T on transcript NM_001378030.1 (MANE Select); coding-DNA position 26, C replaced by T.
Protein change: p.Pro9Leu; replaces proline 9 with leucine.
Molecular consequence: missense variant. On other transcripts: non-coding transcript variant (3), intron variant (1).
Genome position (GRCh38, 1-based): chr16:726,342, G>A on the plus strand (C>T on the coding strand, the complement: CCDC78 is on the minus strand). VCF-style: chr16-726342-G-A. GRCh37 (hg19) VCF-style: chr16-776342-G-A.
Other names: c.26C>T, p.Pro9Leu (NM_001031737.3, NM_001378031.1); c.-225-257C>T (NM_001378033.1); short protein forms P9L.
Identifiers: ClinVar variation 1024961 (VCV001024961.8), dbSNP rs1432188387, ClinGen allele CA394106386.

ClinVar aggregate classification (germline): Uncertain significance (1 of 4 stars; one submission).

Conditions:
Congenital myopathy with internal nuclei and atypical cores. Also called: Myopathy, centronuclear, 4. Identifiers: Orphanet 319160, MedGen C4707232, MONDO:0013890, OMIM 614807.

Submission:

Labcorp Genetics (formerly Invitae), Labcorp
Classification: Uncertain significance for Congenital myopathy with internal nuclei and atypical cores. Last evaluated: 2022-07-25. Review status: criteria provided, single submitter. Criteria: Invitae Variant Classification Sherloc (09022015). Collection method: clinical testing. Allele origin: germline.
Comment: In summary, the available evidence is currently insufficient to determine the role of this variant in disease. Therefore, it has been classified as a Variant of Uncertain Significance. Algorithms developed to predict the effect of missense changes on protein structure and function are either unavailable or do not agree on the potential impact of this missense change (SIFT: "Tolerated"; PolyPhen-2: "Probably Damaging"; Align-GVGD: "Class C0"). ClinVar contains an entry for this variant (Variation ID: 1024961). This variant has not been reported in the literature in individuals affected with CCDC78-related conditions. This variant is not present in population databases (gnomAD no frequency). This sequence change replaces proline, which is neutral and non-polar, with leucine, which is neutral and non-polar, at codon 9 of the CCDC78 protein (p.Pro9Leu).